The following is an entry in ClinVar:

NM_003737.4(DCHS1):c.7394G>A (p.Arg2465Gln)

Gene: DCHS1 (dachsous cadherin-related 1; minus strand). Cytogenetic location: 11p15.4.
Variant type: single nucleotide variant.
Coding change: c.7394G>A on transcript NM_003737.4 (MANE Select); coding-DNA position 7394, G replaced by A.
Protein change: p.Arg2465Gln; replaces arginine 2465 with glutamine.
Molecular consequence: missense variant.
Genome position (GRCh38, 1-based): chr11:6,624,282, C>T on the plus strand (G>A on the coding strand, the complement: DCHS1 is on the minus strand). VCF-style: chr11-6624282-C-T. GRCh37 (hg19) VCF-style: chr11-6645513-C-T.
Other names: c.7394G>A (NM_003737.2); short protein forms R2465Q.
Identifiers: ClinVar variation 1447246 (VCV001447246.9), dbSNP rs773889155, ClinGen allele CA5859615.

ClinVar aggregate classification (germline): Uncertain significance. Review status: criteria provided, multiple submitters, no conflicts (2 of 4 stars). 2 submissions from 2 submitters: Uncertain significance (2). Last evaluated 2025-11-06.

Conditions:
Inborn genetic diseases. Identifiers: MedGen C0950123, MeSH D030342.

Allele frequency attached by ClinVar (database versions not stated): ExAC 0.00001; gnomAD exomes 0.00001.
gnomAD v4.1: 23 of 1,602,218 alleles (0.0014%); highest among the groups gnomAD compares: Middle Eastern, 0.016%; no homozygotes.

Submissions (2):

Labcorp Genetics (formerly Invitae), Labcorp
Classification: Uncertain significance. Last evaluated: 2025-11-06. Review status: criteria provided, single submitter. Criteria: Invitae Variant Classification Sherloc (09022015). Collection method: clinical testing. Allele origin: germline.
Comment: This sequence change replaces arginine, which is basic and polar, with glutamine, which is neutral and polar, at codon 2465 of the DCHS1 protein (p.Arg2465Gln). This variant is present in population databases (rs773889155, gnomAD 0.009%). This variant has not been reported in the literature in individuals affected with DCHS1-related conditions. ClinVar contains an entry for this variant (Variation ID: 1447246). Invitae Evidence Modeling of protein sequence and biophysical properties (such as structural, functional, and spatial information, amino acid conservation, physicochemical variation, residue mobility, and thermodynamic stability) indicates that this missense variant is not expected to disrupt DCHS1 protein function with a negative predictive value of 95%. In summary, the available evidence is currently insufficient to determine the role of this variant in disease. Therefore, it has been classified as a Variant of Uncertain Significance.

Ambry Genetics
Classification: Uncertain significance for Inborn genetic diseases. Last evaluated: 2021-10-26. Review status: criteria provided, single submitter. Criteria: Ambry Variant Classification Scheme 2023. Collection method: clinical testing. Allele origin: germline.